The following is an entry in ClinVar:

NM_024589.3(ROGDI):c.336+6C>T

Gene: ROGDI (rogdi atypical leucine zipper; minus strand). Cytogenetic location: 16p13.3.
Variant type: single nucleotide variant.
Coding change: c.336+6C>T on transcript NM_024589.3 (MANE Select); 6 bases into the intron after coding-DNA position 336, C replaced by T.
Molecular consequence: intron variant.
Genome position (GRCh38, 1-based): chr16:4,800,492, G>A on the plus strand (C>T on the coding strand, the complement: ROGDI is on the minus strand). VCF-style: chr16-4800492-G-A. GRCh37 (hg19) VCF-style: chr16-4850493-G-A.
Identifiers: ClinVar variation 530795 (VCV000530795.10), dbSNP rs1555491410, ClinGen allele CA658798537.

ClinVar aggregate classification (germline): Conflicting classifications of pathogenicity. Review status: criteria provided, conflicting classifications (1 of 4 stars). 2 submissions from 2 submitters: Uncertain significance (1); Likely benign (1). Last evaluated 2024-12-02.

Conditions:
Amelocerebrohypohidrotic syndrome (KTZS). Also called: Kohlschutter's syndrome; EPILEPSY AND YELLOW TEETH; EPILEPSY, DEMENTIA, AND AMELOGENESIS IMPERFECTA; KOHLSCHUTTER SYNDROME. Identifiers: Orphanet 1946, MedGen C0406740, MONDO:0009185, OMIM 226750.

Allele frequency attached by ClinVar (database versions not stated): gnomAD exomes 0.00001.
gnomAD v4.1: 17 of 1,552,682 alleles (0.0011%); highest among the groups gnomAD compares: Non-Finnish European, 0.0014%; no homozygotes.

Submissions (2):

Labcorp Genetics (formerly Invitae), Labcorp
Classification: Uncertain significance for Amelocerebrohypohidrotic syndrome. Last evaluated: 2024-12-02. Review status: criteria provided, single submitter. Criteria: Invitae Variant Classification Sherloc (09022015). Collection method: clinical testing. Allele origin: germline.
Comment: This sequence change falls in intron 5 of the ROGDI gene. It does not directly change the encoded amino acid sequence of the ROGDI protein. It affects a nucleotide within the consensus splice site. This variant is not present in population databases (gnomAD no frequency). This variant has not been reported in the literature in individuals affected with ROGDI-related conditions. ClinVar contains an entry for this variant (Variation ID: 530795). Variants that disrupt the consensus splice site are a relatively common cause of aberrant splicing (PMID: 17576681, 9536098). Algorithms developed to predict the effect of sequence changes on RNA splicing suggest that this variant is not likely to affect RNA splicing. In summary, the available evidence is currently insufficient to determine the role of this variant in disease. Therefore, it has been classified as a Variant of Uncertain Significance.

Blueprint Genetics
Classification: Likely benign. Last evaluated: 2022-10-06. Review status: criteria provided, single submitter. Criteria: ACMG Guidelines, 2015. Collection method: clinical testing. Allele origin: germline.

Literature cited by the submitters: PubMed 17576681 (cited by Labcorp Genetics (formerly Invitae), Labcorp); PubMed 9536098 (cited by Labcorp Genetics (formerly Invitae), Labcorp).